The following is an entry in ClinVar:

ClinVar aggregate classification (germline): Uncertain significance. Review status: criteria provided, multiple submitters, no conflicts (2 of 4 stars). 3 submissions from 3 submitters: Uncertain significance (3). Last evaluated 2025-12-01.

Conditions:
Epilepsy, familial adult myoclonic, 5 (EPEO5). Also called: CORTICAL MYOCLONIC TREMOR WITH EPILEPSY, FAMILIAL, 5. Identifiers: Orphanet 86814, MedGen C3809374, MONDO:0014167, OMIM 615400.

Allele frequency attached by ClinVar (database versions not stated): gnomAD exomes 0.00008 and 0.00013; gnomAD 0.00011; TOPMed 0.00012; ExAC 0.00015; ESP Exome Variant Server 0.00015.
gnomAD v4.1: 135 of 1,612,488 alleles (0.0084%); highest among the groups gnomAD compares: South Asian, 0.027%; 1 homozygote.

Submissions (3):

CeGaT Center for Human Genetics Tuebingen
Classification: Uncertain significance. Last evaluated: 2025-12-01. Review status: criteria provided, single submitter. Criteria: CeGaT Center For Human Genetics Tuebingen Variant Classification Criteria Version 2. Collection method: clinical testing. Allele origin: germline. Affected: yes. Observed: 1 variant allele.
Comment: CNTN2: PM2, PP2

Labcorp Genetics (formerly Invitae), Labcorp
Classification: Uncertain significance for Epilepsy, familial adult myoclonic, 5. Last evaluated: 2022-10-24. Review status: criteria provided, single submitter. Criteria: Invitae Variant Classification Sherloc (09022015). Collection method: clinical testing. Allele origin: germline.
Comment: This sequence change replaces arginine, which is basic and polar, with histidine, which is basic and polar, at codon 274 of the CNTN2 protein (p.Arg274His). This variant is present in population databases (rs200893856, gnomAD 0.02%). This variant has not been reported in the literature in individuals affected with CNTN2-related conditions. ClinVar contains an entry for this variant (Variation ID: 474492). Advanced modeling of protein sequence and biophysical properties (such as structural, functional, and spatial information, amino acid conservation, physicochemical variation, residue mobility, and thermodynamic stability) performed at Invitae indicates that this missense variant is not expected to disrupt CNTN2 protein function. In summary, the available evidence is currently insufficient to determine the role of this variant in disease. Therefore, it has been classified as a Variant of Uncertain Significance.

Ambry Genetics
Classification: Uncertain significance. Last evaluated: 2021-07-14. Review status: criteria provided, single submitter. Criteria: Ambry Variant Classification Scheme 2023. Collection method: clinical testing. Allele origin: germline.

NM_005076.5(CNTN2):c.821G>A (p.Arg274His)

Gene: CNTN2 (contactin 2; plus strand). Cytogenetic location: 1q32.1.
Variant type: single nucleotide variant.
Coding change: c.821G>A on transcript NM_005076.5 (MANE Select); coding-DNA position 821, G replaced by A.
Protein change: p.Arg274His; replaces arginine 274 with histidine.
Molecular consequence: missense variant. On other transcripts: non-coding transcript variant (1).
Genome position (GRCh38, 1-based): chr1:205,061,268, G>A. VCF-style: chr1-205061268-G-A. GRCh37 (hg19) VCF-style: chr1-205030396-G-A.
Other names: c.821G>A, p.Arg274His (NM_001346083.2); short protein forms R274H.
Identifiers: ClinVar variation 474492 (VCV000474492.13), dbSNP rs200893856, ClinGen allele CA1351171.
Genomic context (GRCh38, chr1:205,061,268, plus strand): 5'-CTCAGCCCACACCCTCTGGCTTTGTCTCTCCTGCCAGCCCTGTCCCCCGGATCAAGTGGC[G>A]CAAAGTGGACGGCTCCCTGTCCCCGCAGTGGACCACAGCTGAGCCCACCCTGCAGATCCC-3'
Protein context (NP_005067.1, residues 264-284): FGNPVPRIKW[Arg274His]KVDGSLSPQW